The following is an entry in ClinVar:

NM_001348716.2(KDM6B):c.753ACC[10] (p.Pro262_Pro264del)

Gene: KDM6B (lysine demethylase 6B; plus strand). Cytogenetic location: 17p13.1.
Variant type: Microsatellite.
Coding change: c.753ACC[10] on transcript NM_001348716.2 (MANE Select); ten copies in a row of the 3-base unit ACC starting at c.753; the reference has 13 copies in a row; three copies, 9 bases deleted.
Protein change: p.Pro262_Pro264del.
Molecular consequence: inframe deletion.
Genome position (GRCh38, 1-based): chr17:7,846,890-7,846,898, ACCACCACC deleted; deleting any 9 consecutive bases within chr17:7,846,860-7,846,898 gives the same sequence; the position shown is the placement nearest the transcript's 3' end. VCF-style (leftmost placement, unchanged base first): chr17-7846859-TACCACCACC-T. GRCh37 (hg19) VCF-style: chr17-7750177-TACCACCACC-T.
Other names: c.783_791del9 (NM_001080424.1); c.753ACC[10], p.Pro262_Pro264del (NM_001080424.2).
Identifiers: ClinVar variation 1174808 (VCV001174808.37), dbSNP rs61462443, ClinGen allele CA8360353.
Genomic context (GRCh38, chr17:7,846,859, plus strand): 5'-CACACTCTCTTCTCTCCTAGACTGGCCTTCCCCCAGGGCTGCCACTGCCTCCACCACCAT[TACCACCACC>T]ACCACCACCACCACCACCACCACCACCACCCCTGCCTGGCCTGGCTACCAGCCCCCCATT-3'

ClinVar aggregate classification (germline): Benign/Likely benign. Review status: criteria provided, multiple submitters, no conflicts (2 of 4 stars). 5 submissions from 5 submitters: Benign (1); Likely benign (1). 3 of the submissions do not count toward it. Last evaluated 2026-09-01.

Conditions:
KDM6B-related disorder. Also called: KDM6B-related condition.

Submissions (5):

CeGaT Center for Human Genetics Tuebingen
Classification: Likely benign. Last evaluated: 2026-09-01. Review status: criteria provided, single submitter. Criteria: CeGaT Center For Human Genetics Tuebingen Variant Classification Criteria Version 2. Collection method: clinical testing. Allele origin: germline. Affected: yes. Observed: 116 variant alleles.
Comment: KDM6B: BS1

Laboratory of Genetics, Children's Clinical University Hospital Latvia
Classification: Benign. Last evaluated: 2025-02-16. Review status: criteria provided, single submitter. Criteria: ACMG Guidelines, 2015. Collection method: clinical testing. Allele origin: germline. Affected: yes.

PreventionGenetics, part of Exact Sciences
Classification: Benign for KDM6B-related condition. Last evaluated: 2019-11-20. Review status: no assertion criteria provided. Collection method: clinical testing. Allele origin: germline. Not counted in ClinVar's aggregate classification.
Comment: This variant is classified as benign based on ACMG/AMP sequence variant interpretation guidelines (Richards et al. 2015 PMID: 25741868, with internal and published modifications).

Clinical Genetics DNA and cytogenetics Diagnostics Lab, Erasmus MC, Erasmus Medical Center
Classification: Benign. Review status: no assertion criteria provided. Collection method: clinical testing. Allele origin: germline. Affected: yes. Study: VKGL Data-share Consensus. Not counted in ClinVar's aggregate classification.

Diagnostic Laboratory, Department of Genetics, University Medical Center Groningen
Classification: Benign. Review status: no assertion criteria provided. Collection method: clinical testing. Allele origin: germline. Affected: yes. Study: VKGL Data-share Consensus. Not counted in ClinVar's aggregate classification.